The following is an entry in ClinVar:

NM_139319.3(SLC17A8):c.355-12T>G

Gene: SLC17A8 (solute carrier family 17 member 8; plus strand). Cytogenetic location: 12q23.1.
Variant type: single nucleotide variant.
Coding change: c.355-12T>G on transcript NM_139319.3 (MANE Select); 12 bases into the intron before coding-DNA position 355, T replaced by G.
Molecular consequence: intron variant.
Genome position (GRCh38, 1-based): chr12:100,390,989, T>G. VCF-style: chr12-100390989-T-G. GRCh37 (hg19) VCF-style: chr12-100784767-T-G.
Other names: c.355-12T>G (NM_001145288.2).
Identifiers: ClinVar variation 3769810 (VCV003769810.2).

ClinVar aggregate classification (germline): Uncertain significance (1 of 4 stars; one submission).

gnomAD v4.1: 3 of 1,570,892 alleles (0.00019%); highest among the groups gnomAD compares: Admixed American, 0.0033%; no homozygotes.

Submission:

GeneDx
Classification: Uncertain significance. Last evaluated: 2026-03-18. Review status: criteria provided, single submitter. Criteria: GeneDx Variant Classification Process June 2021. Collection method: clinical testing. Allele origin: germline.
Comment: Not observed at significant frequency in large population cohorts (gnomAD); In silico analysis supports a deleterious effect on splicing; Has not been previously published as pathogenic or benign to our knowledge